The following is an entry in ClinVar:

NM_022552.5(DNMT3A):c.1843C>T (p.Gln615Ter)

Gene: DNMT3A (DNA methyltransferase 3 alpha; minus strand). Cytogenetic location: 2p23.3.
Variant type: single nucleotide variant.
Coding change: c.1843C>T on transcript NM_022552.5 (MANE Select); coding-DNA position 1843, C replaced by T.
Protein change: p.Gln615Ter; replaces glutamine 615 with a stop codon.
Molecular consequence: nonsense. On other transcripts: non-coding transcript variant (1).
Genome position (GRCh38, 1-based): chr2:25,244,163, G>A on the plus strand (C>T on the coding strand, the complement: DNMT3A is on the minus strand). VCF-style: chr2-25244163-G-A. GRCh37 (hg19) VCF-style: chr2-25467032-G-A.
Other names: c.1387C>T, p.Gln463Ter (NM_001320893.1); c.1174C>T, p.Gln392Ter (NM_001375819.1); c.1276C>T, p.Gln426Ter (NM_153759.3); c.1843C>T, p.Gln615Ter (NM_175629.2); short protein forms Q392*, Q426*, Q463*, Q615*.
Identifiers: ClinVar variation 4070721 (VCV004070721.1).

ClinVar aggregate classification (germline): Uncertain significance (1 of 4 stars; one submission).

gnomAD v4.1: 2 of 1,613,934 alleles (0.00012%); highest among the groups gnomAD compares: Admixed American, 0.0017%; no homozygotes.

Submission:

GeneDx
Classification: Uncertain significance. Last evaluated: 2025-01-15. Review status: criteria provided, single submitter. Criteria: GeneDx Variant Classification Process June 2021. Collection method: clinical testing. Allele origin: germline. Affected: yes.
Comment: Nonsense variant predicted to result in protein truncation or nonsense mediated decay in a gene for which loss of function is a known mechanism of disease; Has not been previously published as a pathogenic or benign germline variant to our knowledge; This variant is associated with the following publications: (PMID: 39041683, 32757002, 38820910, 26595813, 38155420, 32695677, 23507483)